The following is an entry in ClinVar:

NM_001942.4(DSG1):c.1543T>C (p.Tyr515His)

Gene: DSG1 (desmoglein 1; plus strand). Cytogenetic location: 18q12.1.
Variant type: single nucleotide variant.
Coding change: c.1543T>C on transcript NM_001942.4 (MANE Select); coding-DNA position 1543, T replaced by C.
Protein change: p.Tyr515His; replaces tyrosine 515 with histidine.
Molecular consequence: missense variant.
Genome position (GRCh38, 1-based): chr18:31,339,881, T>C. VCF-style: chr18-31339881-T-C. GRCh37 (hg19) VCF-style: chr18-28919844-T-C.
Other names: short protein forms Y515H.
Identifiers: ClinVar variation 1379841 (VCV001379841.8), dbSNP rs2144102443, ClinGen allele CA402137796.
Genomic context (GRCh38, chr18:31,339,881, plus strand): 5'-GAGCCGAACACTAAAATTACTACCAATACTGGCAGACAAGAAAGTACTTCTTCCACTAAC[T>C]ATGATACCAGCACAACTTCTACTGACTCTAGCCAAGTATATTCTTCTGAACCCGGAAACG-3'
Protein context (NP_001933.2, residues 505-525): GRQESTSSTN[Tyr515His]DTSTTSTDSS

ClinVar aggregate classification (germline): Uncertain significance (1 of 4 stars; one submission).

Submission:

Labcorp Genetics (formerly Invitae), Labcorp
Classification: Uncertain significance. Last evaluated: 2022-06-20. Review status: criteria provided, single submitter. Criteria: Invitae Variant Classification Sherloc (09022015). Collection method: clinical testing. Allele origin: germline.
Comment: In summary, the available evidence is currently insufficient to determine the role of this variant in disease. Therefore, it has been classified as a Variant of Uncertain Significance. Algorithms developed to predict the effect of missense changes on protein structure and function (SIFT, PolyPhen-2, Align-GVGD) all suggest that this variant is likely to be tolerated. This variant has not been reported in the literature in individuals affected with DSG1-related conditions. This variant is not present in population databases (gnomAD no frequency). This sequence change replaces tyrosine, which is neutral and polar, with histidine, which is basic and polar, at codon 515 of the DSG1 protein (p.Tyr515His).